The following is an entry in ClinVar:

NM_001042492.3(NF1):c.718A>C (p.Thr240Pro)

Gene: NF1 (neurofibromin 1; plus strand). Cytogenetic location: 17q11.2.
Variant type: single nucleotide variant.
Coding change: c.718A>C on transcript NM_001042492.3 (MANE Select); coding-DNA position 718, A replaced by C.
Protein change: p.Thr240Pro; replaces threonine 240 with proline.
Molecular consequence: missense variant.
Genome position (GRCh38, 1-based): chr17:31,181,773, A>C. VCF-style: chr17-31181773-A-C. GRCh37 (hg19) VCF-style: chr17-29508791-A-C.
Other names: c.718A>C, p.Thr240Pro (NM_000267.4, NM_001128147.3); short protein forms T240P.
Identifiers: ClinVar variation 3404593 (VCV003404593.2).

ClinVar aggregate classification (germline): Uncertain significance (1 of 4 stars; one submission).

Conditions:
Hereditary cancer-predisposing syndrome. Also called: Hereditary Cancer Syndrome; Tumor predisposition; Hereditary neoplastic syndrome; Neoplastic Syndromes, Hereditary. Identifiers: Orphanet 140162, MedGen C0027672, MeSH D009386, MONDO:0015356.
Cardiovascular phenotype. Identifiers: MedGen CN230736.

Submission:

Ambry Genetics
Classification: Uncertain significance for Cardiovascular phenotype; Hereditary cancer-predisposing syndrome. Last evaluated: 2025-12-11. Review status: criteria provided, single submitter. Criteria: Ambry Variant Classification Scheme 2023. Collection method: clinical testing. Allele origin: germline.
Comment: The p.T240P variant (also known as c.718A>C), located in coding exon 7 of the NF1 gene, results from an A to C substitution at nucleotide position 718. The threonine at codon 240 is replaced by proline, an amino acid with highly similar properties. This amino acid position is well conserved in available vertebrate species. In addition, the in silico prediction for this alteration is inconclusive. Based on the available evidence, the clinical significance of this variant remains unclear.